The following is an entry in ClinVar:

NM_016239.4(MYO15A):c.1128C>A (p.Tyr376Ter)

Gene: MYO15A (myosin XVA; plus strand). Cytogenetic location: 17p11.2.
Variant type: single nucleotide variant.
Coding change: c.1128C>A on transcript NM_016239.4 (MANE Select); coding-DNA position 1128, C replaced by A.
Protein change: p.Tyr376Ter; replaces tyrosine 376 with a stop codon.
Molecular consequence: nonsense.
Genome position (GRCh38, 1-based): chr17:18,119,928, C>A. VCF-style: chr17-18119928-C-A. GRCh37 (hg19) VCF-style: chr17-18023242-C-A.
Other names: short protein forms Y376*.
Identifiers: ClinVar variation 5005706 (VCV005005706.2).
Genomic context (GRCh38, chr17:18,119,928, plus strand): 5'-TGACCTCCCATACCACACTCCCTACGATGTACCCTACTTTGATCCCTACGGAGTCCACTA[C>A]ACCGTCCCCTATGCCGAAGGCGTCTATGGCGGTGGGGACGAGGCCATCTACCCCCCCGAG-3'

ClinVar aggregate classification (germline): Pathogenic (1 of 4 stars; one submission).

Conditions:
Autosomal recessive nonsyndromic hearing loss 3. Also called: NEUROSENSORY NONSYNDROMIC RECESSIVE DEAFNESS 3. Identifiers: Orphanet 90636, MedGen C1838263, MONDO:0010860, OMIM 600316.

Submission:

Juno Genomics, Hangzhou Juno Genomics, Inc
Classification: Pathogenic for Autosomal recessive nonsyndromic hearing loss 3. Review status: criteria provided, single submitter. Criteria: ACMG Guidelines, 2015. Collection method: clinical testing. Allele origin: germline.
Comment: Absent from controls (or at extremely low frequency if recessive) in Genome Aggregation Database.;Null variant in a gene where loss of function (LOF) is a known mechanism of disease.;For recessive disorders, detected in trans with a pathogenic variant.;Co-segregation with disease in multiple affected family members.